The following is an entry in ClinVar:

ClinVar aggregate classification (germline): Uncertain significance (1 of 4 stars; one submission).

Submission:

GeneDx
Classification: Uncertain significance. Last evaluated: 2026-02-06. Review status: criteria provided, single submitter. Criteria: GeneDx Variant Classification Process June 2021. Collection method: clinical testing. Allele origin: germline.
Comment: Not observed at significant frequency in large population cohorts (gnomAD); In silico analysis supports that this missense variant has a deleterious effect on protein structure/function; Has not been previously published as pathogenic or benign to our knowledge

NM_001005273.3(CHD3):c.5561A>G (p.Asn1854Ser)

Gene: CHD3 (chromodomain helicase DNA binding protein 3; plus strand). Cytogenetic location: 17p13.1.
Variant type: single nucleotide variant.
Coding change: c.5561A>G on transcript NM_001005273.3 (MANE Select); coding-DNA position 5561, A replaced by G.
Protein change: p.Asn1854Ser; replaces asparagine 1854 with serine.
Molecular consequence: missense variant.
Genome position (GRCh38, 1-based): chr17:7,909,309, A>G. VCF-style: chr17-7909309-A-G. GRCh37 (hg19) VCF-style: chr17-7812627-A-G.
Other names: c.5738A>G, p.Asn1913Ser (NM_001005271.3); c.5459A>G, p.Asn1820Ser (NM_005852.4); short protein forms N1820S, N1854S, N1913S.
Identifiers: ClinVar variation 4055994 (VCV004055994.2).